The following is an entry in ClinVar:

ClinVar aggregate classification (germline): Uncertain significance. Review status: criteria provided, multiple submitters, no conflicts (2 of 4 stars). 2 submissions from 2 submitters: Uncertain significance (2). Last evaluated 2022-01-11.

Conditions:
Developmental and epileptic encephalopathy, 9 (DEE9). Also called: JUBERG-HELLMAN SYNDROME; Early infantile epileptic encephalopathy 9; EPILEPSY, FEMALE-RESTRICTED, WITH MENTAL RETARDATION; PCDH19-Related X-Linked Female-Limited Epilepsy with Mental Retardation. Identifiers: Orphanet 101039, Orphanet 2076, MedGen C1848137, MONDO:0010246, OMIM 300088. Disease mechanism: loss of function.

Allele frequency attached by ClinVar (database versions not stated): ESP Exome Variant Server 0.00010; gnomAD exomes below 0.00001 and 0.00001; ExAC 0.00001; TOPMed 0.00002; gnomAD 0.00002.
gnomAD v4.1: 3 of 1,207,907 alleles (0.00025%); highest among the groups gnomAD compares: Admixed American, 0.0022%; no homozygotes.

Submissions (2):

Labcorp Genetics (formerly Invitae), Labcorp
Classification: Uncertain significance for Developmental and epileptic encephalopathy, 9. Last evaluated: 2022-01-11. Review status: criteria provided, single submitter. Criteria: Invitae Variant Classification Sherloc (09022015). Collection method: clinical testing. Allele origin: germline.
Comment: In summary, the available evidence is currently insufficient to determine the role of this variant in disease. Therefore, it has been classified as a Variant of Uncertain Significance. Algorithms developed to predict the effect of sequence changes on RNA splicing suggest that this variant may create or strengthen a splice site. Algorithms developed to predict the effect of missense changes on protein structure and function are either unavailable or do not agree on the potential impact of this missense change (SIFT: "Tolerated"; PolyPhen-2: "Possibly Damaging"; Align-GVGD: "Class C0"). ClinVar contains an entry for this variant (Variation ID: 447919). This variant has not been reported in the literature in individuals affected with PCDH19-related conditions. This variant is present in population databases (rs369379155, gnomAD 0.004%). This sequence change replaces aspartic acid, which is acidic and polar, with glycine, which is neutral and non-polar, at codon 933 of the PCDH19 protein (p.Asp933Gly).

Athena Diagnostics
Classification: Uncertain significance. Last evaluated: 2016-09-28. Review status: criteria provided, single submitter. Criteria: Athena Diagnostics Criteria. Collection method: clinical testing. Allele origin: germline.

NM_001184880.2(PCDH19):c.2798A>G (p.Asp933Gly)

Gene: PCDH19 (protocadherin 19; minus strand). Cytogenetic location: Xq22.1.
Variant type: single nucleotide variant.
Coding change: c.2798A>G on transcript NM_001184880.2 (MANE Select); coding-DNA position 2798, A replaced by G.
Protein change: p.Asp933Gly; replaces aspartic acid 933 with glycine.
Molecular consequence: missense variant.
Genome position (GRCh38, 1-based): chrX:100,341,953, T>C on the plus strand (A>G on the coding strand, the complement: PCDH19 is on the minus strand). VCF-style: chrX-100341953-T-C. GRCh37 (hg19) VCF-style: chrX-99596951-T-C.
Other names: c.2657A>G, p.Asp886Gly (NM_001105243.2); c.2654A>G, p.Asp885Gly (NM_020766.3); short protein forms D933G, D886G, D885G.
Identifiers: ClinVar variation 447919 (VCV000447919.7), dbSNP rs369379155, ClinGen allele CA10468707.